The following is an entry in ClinVar:

NM_014797.3(ZBTB24):c.733G>T (p.Asp245Tyr)

Gene: ZBTB24 (zinc finger and BTB domain containing 24; minus strand). Cytogenetic location: 6q21.
Variant type: single nucleotide variant.
Coding change: c.733G>T on transcript NM_014797.3 (MANE Select); coding-DNA position 733, G replaced by T.
Protein change: p.Asp245Tyr; replaces aspartic acid 245 with tyrosine.
Molecular consequence: missense variant.
Genome position (GRCh38, 1-based): chr6:109,481,294, C>A on the plus strand (G>T on the coding strand, the complement: ZBTB24 is on the minus strand). VCF-style: chr6-109481294-C-A. GRCh37 (hg19) VCF-style: chr6-109802497-C-A.
Other names: c.733G>T, p.Asp245Tyr (NM_001164313.2); short protein forms D245Y.
Identifiers: ClinVar variation 1372677 (VCV001372677.3), dbSNP rs762687481, ClinGen allele CA3954298.

ClinVar aggregate classification (germline): Uncertain significance (1 of 4 stars; one submission).

Conditions:
Immunodeficiency-centromeric instability-facial anomalies syndrome 2 (ICF2). Identifiers: Orphanet 2268, MedGen C3279748, MONDO:0013553, OMIM 614069.

Allele frequency attached by ClinVar (database versions not stated): ExAC 0.00002; gnomAD exomes 0.00001.
gnomAD v4.1: 8 of 1,614,186 alleles (0.0005%); highest among the groups gnomAD compares: Middle Eastern, 0.033%; 1 homozygote.

Submission:

Labcorp Genetics (formerly Invitae), Labcorp
Classification: Uncertain significance for Immunodeficiency-centromeric instability-facial anomalies syndrome 2. Last evaluated: 2022-08-23. Review status: criteria provided, single submitter. Criteria: Invitae Variant Classification Sherloc (09022015). Collection method: clinical testing. Allele origin: germline.
Comment: This sequence change replaces aspartic acid with tyrosine at codon 245 of the ZBTB24 protein (p.Asp245Tyr). The aspartic acid residue is moderately conserved and there is a large physicochemical difference between aspartic acid and tyrosine. This variant is present in population databases (rs762687481, gnomAD 0.01%). This variant has not been reported in the literature in individuals affected with ZBTB24-related conditions. ClinVar contains an entry for this variant (Variation ID: 1372677). Algorithms developed to predict the effect of missense changes on protein structure and function are either unavailable or do not agree on the potential impact of this missense change (SIFT: "Not Available"; PolyPhen-2: "Benign"; Align-GVGD: "Not Available"). Algorithms developed to predict the effect of sequence changes on RNA splicing suggest that this variant may create or strengthen a splice site. In summary, the available evidence is currently insufficient to determine the role of this variant in disease. Therefore, it has been classified as a Variant of Uncertain Significance.